The following is an entry in ClinVar:

ClinVar aggregate classification (germline): Uncertain significance (1 of 4 stars; one submission).

gnomAD v4.1: 1 of 1,582,944 alleles (0.000063%); highest among the groups gnomAD compares: Admixed American, 0.0017%; no homozygotes.

Submission:

Women's Health and Genetics/Laboratory Corporation of America, LabCorp
Classification: Uncertain significance. Last evaluated: 2025-01-03. Review status: criteria provided, single submitter. Criteria: LabCorp Variant Classification Summary - May 2015. Collection method: clinical testing. Allele origin: germline.
Comment: Variant summary: PSMD12 c.1104G>T (p.Lys368Asn) results in a non-conservative amino acid change located in the Proteasome component (PCI) domain (IPR000717) of the encoded protein sequence. Three of five in-silico tools predict a benign effect of the variant on protein function. The variant was absent in 250432 control chromosomes. The available data on variant occurrences in the general population are insufficient to allow any conclusion about variant significance. To our knowledge, no occurrence of c.1104G>T in individuals affected with Stankiewicz-Isidor Syndrome and no experimental evidence demonstrating its impact on protein function have been reported. ClinVar contains an entry for this variant (Variation ID: 1696219). Based on the evidence outlined above, the variant was classified as uncertain significance.

NM_002816.5(PSMD12):c.1104G>T (p.Lys368Asn)

Gene: PSMD12 (proteasome 26S subunit, non-ATPase 12; minus strand). Cytogenetic location: 17q24.2.
Variant type: single nucleotide variant.
Coding change: c.1104G>T on transcript NM_002816.5 (MANE Select); coding-DNA position 1104, G replaced by T.
Protein change: p.Lys368Asn; replaces lysine 368 with asparagine.
Molecular consequence: missense variant.
Genome position (GRCh38, 1-based): chr17:67,342,243, C>A on the plus strand (G>T on the coding strand, the complement: PSMD12 is on the minus strand). VCF-style: chr17-67342243-C-A. GRCh37 (hg19) VCF-style: chr17-65338359-C-A.
Other names: c.927G>T, p.Lys309Asn (NM_001316341.2); c.1044G>T, p.Lys348Asn (NM_174871.4); short protein forms K309N, K348N, K368N.
Identifiers: ClinVar variation 1696219 (VCV001696219.3), dbSNP rs1388460098, ClinGen allele CA400803703.